The following is an entry in ClinVar:

NM_000179.3(MSH6):c.2619G>T (p.Gly873=)

Gene: MSH6 (mutS homolog 6; plus strand). Cytogenetic location: 2p16.3.
Variant type: single nucleotide variant.
Coding change: c.2619G>T on transcript NM_000179.3 (MANE Select); coding-DNA position 2619, G replaced by T.
Protein change: p.Gly873=; no amino-acid change (glycine 873 retained).
Molecular consequence: synonymous variant.
Genome position (GRCh38, 1-based): chr2:47,800,602, G>T. VCF-style: chr2-47800602-G-T. GRCh37 (hg19) VCF-style: chr2-48027741-G-T.
Other names: c.2229G>T, p.Gly743= (NM_001281492.2); c.1713G>T, p.Gly571= (NM_001281493.2, NM_001281494.2).
Identifiers: ClinVar variation 821577 (VCV000821577.13), dbSNP rs1315876988, ClinGen allele CA426121881.

ClinVar aggregate classification (germline): Benign/Likely benign. Review status: criteria provided, multiple submitters, no conflicts (2 of 4 stars). 3 submissions from 3 submitters: Benign (1); Likely benign (2). Last evaluated 2024-12-31.

Conditions:
Hereditary nonpolyposis colorectal neoplasms. Identifiers: MedGen C0009405, MeSH D003123.
Hereditary cancer-predisposing syndrome. Also called: Tumor predisposition; Hereditary Cancer Syndrome; Neoplastic Syndromes, Hereditary; Hereditary neoplastic syndrome. Identifiers: Orphanet 140162, MedGen C0027672, MeSH D009386, MONDO:0015356.
Lynch syndrome 5 (LYNCH5). Also called: Colorectal cancer, hereditary nonpolyposis, type 5; Hereditary non-polyposis colorectal cancer, type 5. Identifiers: Orphanet 144, MedGen C1833477, MONDO:0013710, OMIM 614350. Disease mechanism: loss of function.

Submissions (3):

Myriad Genetics, Inc.
Classification: Benign for Lynch syndrome 5. Last evaluated: 2024-12-31. Review status: criteria provided, single submitter. Criteria: Myriad Autosomal Dominant, Autosomal Recessive and X-Linked Classification Criteria (2023). Collection method: clinical testing. Allele origin: unknown.
Comment: This variant is considered benign. This variant is a silent/synonymous amino acid change and it is not expected to impact splicing.

Labcorp Genetics (formerly Invitae), Labcorp
Classification: Likely benign for Hereditary nonpolyposis colorectal neoplasms. Last evaluated: 2024-02-17. Review status: criteria provided, single submitter. Criteria: Invitae Variant Classification Sherloc (09022015). Collection method: clinical testing. Allele origin: germline.

Ambry Genetics
Classification: Likely benign for Hereditary cancer-predisposing syndrome. Last evaluated: 2019-04-23. Review status: criteria provided, single submitter. Criteria: Ambry Variant Classification Scheme 2023. Collection method: clinical testing. Allele origin: germline.